The following is an entry in ClinVar:

ClinVar aggregate classification (germline): Conflicting classifications of pathogenicity. Review status: criteria provided, conflicting classifications (1 of 4 stars). 3 submissions from 2 submitters: Uncertain significance (2); Likely benign (1). Last evaluated 2024-01-22.

Conditions:
Maturity-onset diabetes of the young (MODY). Also called: Maturity onset diabetes mellitus in young. Identifiers: Orphanet 552, MedGen C0342276, MONDO:0018911, HP:0004904.
Transitory neonatal diabetes mellitus. Also called: Transient neonatal diabetes mellitus. Identifiers: MedGen C0342273, MONDO:0020525, HP:0008255.

Allele frequency attached by ClinVar (database versions not stated): gnomAD 0.00001; gnomAD exomes 0.00004 and 0.00008; ExAC 0.00015; 1000 Genomes Project 30x 0.00016; 1000 Genomes Project 0.00020.
gnomAD v4.1: 56 of 1,598,808 alleles (0.0035%); highest among the groups gnomAD compares: South Asian, 0.061%; 1 homozygote.

Submissions (3):

Labcorp Genetics (formerly Invitae), Labcorp
Classification: Likely benign. Last evaluated: 2024-01-22. Review status: criteria provided, single submitter. Criteria: Invitae Variant Classification Sherloc (09022015). Collection method: clinical testing. Allele origin: germline.

Clinical Genomics, Uppaluri K&H Personalized Medicine Clinic
Classification: Uncertain significance for Transitory neonatal diabetes mellitus. Review status: criteria provided, single submitter. Criteria: K & H Uppaluri Personalized Medicine Clinic Variant Classification & Assertion Criteria_Updated V.1. Collection method: research. Allele origin: somatic. Inheritance: Somatic mutation.
Comment: Mutations in ABCC8 gene are associated with both neonatal diabetes mellitus as well as MODY. Patients with this mutation may have a better response to sulfonylureas. However, no sufficient evidence is found to ascertain the role of this particular variant (rs544133684 ) in neonatal diabetes yet.

Clinical Genomics, Uppaluri K&H Personalized Medicine Clinic
Classification: Uncertain significance for Maturity-onset diabetes of the young. Review status: criteria provided, single submitter. Criteria: K & H Uppaluri Personalized Medicine Clinic Variant Classification & Assertion Criteria_Updated V.1. Collection method: research. Allele origin: somatic. Inheritance: Somatic mutation.
Comment: Mutations in ABCC8 gene are associated with both neonatal diabetes mellitus as well as MODY. Patients with this mutation may have a better response to sulfonylureas. However, no sufficient evidence is found to ascertain the role of this particular variant ( rs544133684) in MODY yet.

Literature cited by the submitters: PubMed 16885549 (cited by Clinical Genomics, Uppaluri K&H Personalized Medicine Clinic); PubMed 21989597 (cited by Clinical Genomics, Uppaluri K&H Personalized Medicine Clinic); PubMed 27538677 (cited by Clinical Genomics, Uppaluri K&H Personalized Medicine Clinic); PubMed 18981553 (cited by Clinical Genomics, Uppaluri K&H Personalized Medicine Clinic); PubMed 32027066 (cited by Clinical Genomics, Uppaluri K&H Personalized Medicine Clinic); PubMed 16613899 (cited by Clinical Genomics, Uppaluri K&H Personalized Medicine Clinic); PubMed 18025408 (cited by Clinical Genomics, Uppaluri K&H Personalized Medicine Clinic); PubMed 32792356 (cited by Clinical Genomics, Uppaluri K&H Personalized Medicine Clinic).

NM_000352.6(ABCC8):c.4360C>T (p.Leu1454=)

Gene: ABCC8 (ATP binding cassette subfamily C member 8; minus strand). Cytogenetic location: 11p15.1.
Variant type: single nucleotide variant.
Coding change: c.4360C>T on transcript NM_000352.6 (MANE Select); coding-DNA position 4360, C replaced by T.
Protein change: p.Leu1454=; no amino-acid change (leucine 1454 retained).
Molecular consequence: synonymous variant. On other transcripts: non-coding transcript variant (1).
Genome position (GRCh38, 1-based): chr11:17,395,223, G>A on the plus strand (C>T on the coding strand, the complement: ABCC8 is on the minus strand). VCF-style: chr11-17395223-G-A. GRCh37 (hg19) VCF-style: chr11-17416770-G-A.
Other names: c.4363C>T, p.Leu1455= (NM_001287174.3); c.4426C>T, p.Leu1476= (NM_001351295.2); c.4360C>T, p.Leu1454= (NM_001351296.2); c.4357C>T, p.Leu1453= (NM_001351297.2).
Identifiers: ClinVar variation 703596 (VCV000703596.13), dbSNP rs544133684, ClinGen allele CA5902486.